The following is an entry in ClinVar:

ClinVar aggregate classification (germline): Benign/Likely benign. Review status: criteria provided, multiple submitters, no conflicts (2 of 4 stars). 3 submissions from 3 submitters: Benign (2); Likely benign (1). Last evaluated 2024-11-28.

Submissions (3):

Blueprint Genetics
Classification: Likely benign. Last evaluated: 2024-11-28. Review status: criteria provided, single submitter. Criteria: ACMG Guidelines, 2015. Collection method: clinical testing. Allele origin: germline.

GeneDx
Classification: Benign. Last evaluated: 2019-08-18. Review status: criteria provided, single submitter. Criteria: GeneDx Variant Classification Process June 2021. Collection method: clinical testing. Allele origin: germline. Affected: yes.

Laboratory for Molecular Medicine, Mass General Brigham Personalized Medicine
Classification: Benign. Last evaluated: 2016-03-29. Review status: criteria provided, single submitter. Criteria: LMM Criteria. Collection method: clinical testing. Allele origin: germline.
Comment: Variant identified in a genome or exome case(s) and assessed due to predicted null impact of the variant or pathogenic assertions in the literature or databases. Disclaimer: This variant has not undergone full assessment. The following are preliminary notes: Frequency

NM_173630.4(RTTN):c.4303-26_4303-11del

Gene: RTTN (rotatin; minus strand). Cytogenetic location: 18q22.2.
Variant type: Deletion.
Coding change: c.4303-26_4303-11del on transcript NM_173630.4 (MANE Select); 26 bases into the intron before coding-DNA position 4303 through 11 bases into the intron before coding-DNA position 4303, 16 bases deleted (TTTTTTTTTTTTTTTT).
Molecular consequence: intron variant.
Genome position (GRCh38, 1-based): chr18:70,086,695-70,086,710, AAAAAAAAAAAAAAAA deleted on the plus strand (TTTTTTTTTTTTTTTT on the coding strand, the reverse complement: RTTN is on the minus strand); deleting any 16 consecutive bases within chr18:70,086,695-70,086,733 gives the same sequence; the c. name uses the placement nearest the transcript's 3' end. VCF-style (leftmost placement, unchanged base first): chr18-70086694-TAAAAAAAAAAAAAAAA-T. GRCh37 (hg19) VCF-style: chr18-67753930-TAAAAAAAAAAAAAAAA-T.
Other names: c.1567-26_1567-11del (NM_001318520.2).
Identifiers: ClinVar variation 403408 (VCV000403408.8), dbSNP rs531741265, ClinGen allele CA8995304.